The following is an entry in ClinVar:

ClinVar aggregate classification (germline): Uncertain significance (1 of 4 stars; one submission).

Allele frequency attached by ClinVar (database versions not stated): gnomAD exomes below 0.00001; TOPMed below 0.00001.
gnomAD v4.1: 1 of 1,612,870 alleles (0.000062%); highest among the groups gnomAD compares: Admixed American, 0.0017%; no homozygotes.

Submission:

Labcorp Genetics (formerly Invitae), Labcorp
Classification: Uncertain significance. Last evaluated: 2022-08-23. Review status: criteria provided, single submitter. Criteria: Invitae Variant Classification Sherloc (09022015). Collection method: clinical testing. Allele origin: germline.
Comment: This sequence change replaces tyrosine, which is neutral and polar, with serine, which is neutral and polar, at codon 154 of the DNAJC21 protein (p.Tyr154Ser). This variant is not present in population databases (gnomAD no frequency). This variant has not been reported in the literature in individuals affected with DNAJC21-related conditions. ClinVar contains an entry for this variant (Variation ID: 1008633). Algorithms developed to predict the effect of missense changes on protein structure and function are either unavailable or do not agree on the potential impact of this missense change (SIFT: "Tolerated"; PolyPhen-2: "Possibly Damaging"; Align-GVGD: "Class C0"). In summary, the available evidence is currently insufficient to determine the role of this variant in disease. Therefore, it has been classified as a Variant of Uncertain Significance.

NM_001012339.3(DNAJC21):c.461A>C (p.Tyr154Ser)

Gene: DNAJC21 (DnaJ heat shock protein family (Hsp40) member C21; plus strand). Cytogenetic location: 5p13.2.
Variant type: single nucleotide variant.
Coding change: c.461A>C on transcript NM_001012339.3 (MANE Select); coding-DNA position 461, A replaced by C.
Protein change: p.Tyr154Ser; replaces tyrosine 154 with serine.
Molecular consequence: missense variant.
Genome position (GRCh38, 1-based): chr5:34,937,348, A>C. VCF-style: chr5-34937348-A-C. GRCh37 (hg19) VCF-style: chr5-34937453-A-C.
Other names: c.461A>C, p.Tyr154Ser (NM_001348420.2, NM_194283.4); short protein forms Y154S.
Identifiers: ClinVar variation 1008633 (VCV001008633.4), dbSNP rs1764813385, ClinGen allele CA359414229.